The following is an entry in ClinVar:

NM_004168.4(SDHA):c.464A>G (p.Asn155Ser)

Gene: SDHA (succinate dehydrogenase complex flavoprotein subunit A; plus strand). Cytogenetic location: 5p15.33.
Variant type: single nucleotide variant.
Coding change: c.464A>G on transcript NM_004168.4 (MANE Select); coding-DNA position 464, A replaced by G.
Protein change: p.Asn155Ser; replaces asparagine 155 with serine.
Molecular consequence: missense variant.
Genome position (GRCh38, 1-based): chr5:225,890, A>G. VCF-style: chr5-225890-A-G. GRCh37 (hg19) VCF-style: chr5-226005-A-G.
Other names: c.320A>G, p.Asn107Ser (NM_001294332.2); c.464A>G, p.Asn155Ser (NM_001330758.2); short protein forms N155S, N107S.
Identifiers: ClinVar variation 472393 (VCV000472393.19), dbSNP rs749824479, ClinGen allele CA3172855.

ClinVar aggregate classification (germline): Uncertain significance. Review status: criteria provided, multiple submitters, no conflicts (2 of 4 stars). 5 submissions from 5 submitters: Uncertain significance (5). Last evaluated 2025-08-15.

Conditions:
Mitochondrial complex II deficiency, nuclear type 1. Also called: SUCCINATE CoQ REDUCTASE DEFICIENCY. Identifiers: Orphanet 3208, MedGen C5700310, MONDO:0100294, OMIM 252011.
Pheochromocytoma/paraganglioma syndrome 5. Also called: Paragangliomas 5; SDHA-Related Hereditary Paraganglioma-Pheochromocytoma Syndrome. Identifiers: Orphanet 29072, MedGen C3279992, MONDO:0013602, OMIM 614165.
Hereditary cancer-predisposing syndrome. Also called: Neoplastic Syndromes, Hereditary; Hereditary Cancer Syndrome; Hereditary neoplastic syndrome; Tumor predisposition. Identifiers: Orphanet 140162, MedGen C0027672, MeSH D009386, MONDO:0015356.
Dilated cardiomyopathy 1GG (CMD1GG). Identifiers: Orphanet 154, MedGen C3150898, MONDO:0013339, OMIM 613642.

Allele frequency attached by ClinVar (database versions not stated): ExAC 0.00001; gnomAD exomes 0.00001 and 0.00002; gnomAD 0.00002 and 0.00003; TOPMed 0.00003.
gnomAD v4.1: 38 of 1,612,704 alleles (0.0024%); highest among the groups gnomAD compares: Non-Finnish European, 0.0031%; no homozygotes.

Submissions (5):

Quest Diagnostics Nichols Institute San Juan Capistrano
Classification: Uncertain significance. Last evaluated: 2025-08-15. Review status: criteria provided, single submitter. Criteria: Quest Diagnostics criteria. Collection method: clinical testing. Allele origin: unknown.
Comment: The SDHA c.464A>G (p.Asn155Ser) variant has not been reported in the germline of individuals affected with SDHA-related conditions in the published literature. The frequency of this variant in the general population (Genome Aggregation Database) is uninformative in the assessment of its pathogenicity. Analysis of this variant using bioinformatics tools for the prediction of the effect of amino acid changes on protein structure and function yielded conflicting predictions that this variant is deleterious or benign. Based on the available information, we are unable to determine the clinical significance of this variant.

Ambry Genetics
Classification: Uncertain significance for Hereditary cancer-predisposing syndrome. Last evaluated: 2025-02-18. Review status: criteria provided, single submitter. Criteria: Ambry Variant Classification Scheme 2023. Collection method: clinical testing. Allele origin: germline.
Comment: The p.N155S variant (also known as c.464A>G), located in coding exon 5 of the SDHA gene, results from an A to G substitution at nucleotide position 464. The asparagine at codon 155 is replaced by serine, an amino acid with highly similar properties. This amino acid position is highly conserved in available vertebrate species. In addition, this alteration is predicted to be tolerated by in silico analysis. Based on the available evidence, the clinical significance of this variant remains unclear.

Labcorp Genetics (formerly Invitae), Labcorp
Classification: Uncertain significance for Pheochromocytoma/paraganglioma syndrome 5; Mitochondrial complex II deficiency, nuclear type 1. Last evaluated: 2025-01-30. Review status: criteria provided, single submitter. Criteria: Invitae Variant Classification Sherloc (09022015). Collection method: clinical testing. Allele origin: germline.
Comment: This sequence change replaces asparagine, which is neutral and polar, with serine, which is neutral and polar, at codon 155 of the SDHA protein (p.Asn155Ser). This variant is present in population databases (rs749824479, gnomAD 0.003%). This variant has not been reported in the literature in individuals affected with SDHA-related conditions. ClinVar contains an entry for this variant (Variation ID: 472393). Invitae Evidence Modeling of protein sequence and biophysical properties (such as structural, functional, and spatial information, amino acid conservation, physicochemical variation, residue mobility, and thermodynamic stability) indicates that this missense variant is not expected to disrupt SDHA protein function with a negative predictive value of 95%. RNA analysis performed to evaluate the impact of this missense change on mRNA splicing indicates it does not significantly alter splicing (internal data). In summary, the available evidence is currently insufficient to determine the role of this variant in disease. Therefore, it has been classified as a Variant of Uncertain Significance.

GeneDx
Classification: Uncertain significance. Last evaluated: 2024-02-02. Review status: criteria provided, single submitter. Criteria: GeneDx Variant Classification Process June 2021. Collection method: clinical testing. Allele origin: germline. Affected: yes.
Comment: Not observed at significant frequency in large population cohorts (gnomAD); In silico analysis supports that this missense variant has a deleterious effect on protein structure/function; In silico analysis suggests this variant may impact gene splicing. In the absence of RNA/functional studies, the actual effect of this sequence change is unknown.; Has not been previously published as pathogenic or benign to our knowledge

Baylor Genetics
Classification: Uncertain significance for Dilated cardiomyopathy 1GG. Last evaluated: 2023-09-15. Review status: criteria provided, single submitter. Criteria: ACMG Guidelines, 2015. Collection method: clinical testing. Allele origin: unknown.

Literature cited by the submitters: PubMed 38473309 (cited by Quest Diagnostics Nichols Institute San Juan Capistrano); PubMed 32321774 (cited by Quest Diagnostics Nichols Institute San Juan Capistrano).